The following is an entry in ClinVar:

ClinVar aggregate classification (germline): Conflicting classifications of pathogenicity. Review status: criteria provided, conflicting classifications (1 of 4 stars). 5 submissions from 5 submitters: Uncertain significance (2); Likely benign (3). Last evaluated 2025-09-14.

Conditions:
Epilepsy, idiopathic generalized, susceptibility to, 13. Also called: EPILEPSY, JUVENILE MYOCLONIC, SUSCEPTIBILITY TO, 5. Identifiers: Orphanet 307, Orphanet 64280, MedGen C4013473, MONDO:0012627, OMIM 611136.
Epilepsy, childhood absence 4 (ECA4). Also called: EPILEPSY, CHILDHOOD ABSENCE, SUSCEPTIBILITY TO, 4. Identifiers: Orphanet 307, MedGen C1970160.
Idiopathic generalized epilepsy. Also called: Generalised epilepsy; EIG. Identifiers: MedGen C0270850, MONDO:0005579, OMIM 600669.
Developmental and epileptic encephalopathy, 19 (DEE19). Also called: Epileptic encephalopathy, early infantile, 19. Identifiers: Orphanet 33069, MedGen C3810400, MONDO:0014328, OMIM 615744.

Allele frequency attached by ClinVar (database versions not stated): 1000 Genomes Project 30x 0.00016; 1000 Genomes Project 0.00020; ExAC 0.00004; gnomAD 0.00013; TOPMed 0.00021; ESP Exome Variant Server 0.00031.

Submissions (5):

Labcorp Genetics (formerly Invitae), Labcorp
Classification: Likely benign for Epilepsy, childhood absence 4; Epilepsy, idiopathic generalized, susceptibility to, 13; Idiopathic generalized epilepsy. Last evaluated: 2025-09-14. Review status: criteria provided, single submitter. Criteria: Invitae Variant Classification Sherloc (09022015). Collection method: clinical testing. Allele origin: germline.

Revvity Omics, Revvity
Classification: Likely benign for Developmental and epileptic encephalopathy, 19. Last evaluated: 2023-06-13. Review status: criteria provided, single submitter. Criteria: ACMG Guidelines, 2015. Collection method: clinical testing. Allele origin: germline.

New York Genome Center
Classification: Uncertain significance for Developmental and epileptic encephalopathy, 19. Last evaluated: 2021-08-06. Review status: criteria provided, single submitter. Criteria: NYGC Assertion Criteria 2020. Collection method: clinical testing. Allele origin: inherited. Observed: 1 heterozygote. Study: CSER-NYCKidSeq.

GeneDx
Classification: Likely benign. Last evaluated: 2021-06-16. Review status: criteria provided, single submitter. Criteria: GeneDx Variant Classification Process June 2021. Collection method: clinical testing. Allele origin: germline. Affected: yes.
Comment: This variant is associated with the following publications: (PMID: 27622563)

Eurofins Ntd Llc (ga)
Classification: Uncertain significance. Last evaluated: 2015-05-27. Review status: criteria provided, single submitter. Criteria: EGL Classification Definitions 2015. Collection method: clinical testing. Allele origin: germline. Observed: 2 variant alleles, 2 heterozygotes.

NM_001127644.2(GABRA1):c.85C>T (p.Pro29Ser)

Gene: GABRA1 (gamma-aminobutyric acid type A receptor subunit alpha1; plus strand). Cytogenetic location: 5q34.
Variant type: single nucleotide variant.
Coding change: c.85C>T on transcript NM_001127644.2 (MANE Select); coding-DNA position 85, C replaced by T.
Protein change: p.Pro29Ser; replaces proline 29 with serine.
Molecular consequence: missense variant.
Genome position (GRCh38, 1-based): chr5:161,854,168, C>T. VCF-style: chr5-161854168-C-T. GRCh37 (hg19) VCF-style: chr5-161281174-C-T.
Other names: p.P29S:CCG>TCG; c.85C>T, p.Pro29Ser (NM_000806.5, NM_001127643.2, NM_001127645.2 and 1 more transcripts); short protein forms P29S.
Identifiers: ClinVar variation 197167 (VCV000197167.20), dbSNP rs143815396, ClinGen allele CA245156.